The following is an entry in ClinVar:

NM_001374353.1(GLI2):c.1157C>T (p.Pro386Leu)

Gene: GLI2 (GLI family zinc finger 2; plus strand). Cytogenetic location: 2q14.2.
Variant type: single nucleotide variant.
Coding change: c.1157C>T on transcript NM_001374353.1 (MANE Select); coding-DNA position 1157, C replaced by T.
Protein change: p.Pro386Leu; replaces proline 386 with leucine.
Molecular consequence: missense variant.
Genome position (GRCh38, 1-based): chr2:120,972,038, C>T. VCF-style: chr2-120972038-C-T. GRCh37 (hg19) VCF-style: chr2-121729614-C-T.
Other names: c.1157C>T (NM_005270.4); c.1157C>T, p.Pro386Leu (NM_001371271.1, NM_005270.5); c.782C>T, p.Pro261Leu (NM_001374354.1); short protein forms P261L, P386L.
Identifiers: ClinVar variation 993942 (VCV000993942.9), dbSNP rs757467621, ClinGen allele CA1851790.
Genomic context (GRCh38, chr2:120,972,038, plus strand): 5'-TCAACCCTGTCGCCATTCACAAGCGCAGCAAGGTCAAGACCGAGCCTGAGGGCCTGCGGC[C>T]GGCCTCCCCTCTGGCGCTGACGCAGGTAACCTGCTGCCAGCCGCACCACCTTCCTCCAGC-3'
Protein context (NP_001361282.1, residues 376-396): KVKTEPEGLR[Pro386Leu]ASPLALTQEQ

ClinVar aggregate classification (germline): Uncertain significance. Review status: criteria provided, multiple submitters, no conflicts (2 of 4 stars). 2 submissions from 2 submitters: Uncertain significance (2). Last evaluated 2025-08-18.

Conditions:
GLI2-related disorder. Also called: GLI2-related disorders; GLI2-related condition.

Allele frequency attached by ClinVar (database versions not stated): TOPMed below 0.00001; gnomAD 0.00001; gnomAD exomes 0.00001 and 0.00002; ExAC 0.00003.
gnomAD v4.1: 9 of 1,613,220 alleles (0.00056%); highest among the groups gnomAD compares: Admixed American, 0.0083%; no homozygotes.

Submissions (2):

PreventionGenetics, part of Exact Sciences
Classification: Uncertain significance for GLI2-related condition. Last evaluated: 2025-08-18. Review status: criteria provided, single submitter. Criteria: ACMG Guidelines, 2015. Collection method: clinical testing. Allele origin: germline.
Comment: The GLI2 c.1157C>T variant is predicted to result in the amino acid substitution p.Pro386Leu. This variant has been observed in an individual with combined pituitary hormone deficiency and reported as a variant of uncertain significance (reported as maternally-inherited in Babu et al. 2019. PubMed ID: 30548673; also reported in Corder et al. 2021. PubMed ID: 34921505). This variant is reported in 0.012% of alleles in individuals of Latino descent in gnomAD. At this time, the clinical significance of this variant is uncertain due to the absence of conclusive functional and genetic evidence.

ARUP Laboratories, Molecular Genetics and Genomics, ARUP Laboratories
Classification: Uncertain significance. Last evaluated: 2019-12-23. Review status: criteria provided, single submitter. Criteria: ARUP Molecular Germline Variant Investigation Process. Collection method: clinical testing. Allele origin: germline.